The following is an entry in ClinVar:

ClinVar aggregate classification (germline): Uncertain significance. Review status: criteria provided, multiple submitters, no conflicts (2 of 4 stars). 5 submissions from 5 submitters: Uncertain significance (4). 1 of the submissions does not count toward it. Last evaluated 2026-05-26.

Conditions:
POU4F3-related disorder. Also called: POU4F3-related condition.
Autosomal dominant nonsyndromic hearing loss 15 (DFNA15). Also called: DEAFNESS, AUTOSOMAL DOMINANT 52; Autosomal dominant nonsyndromic hearing loss 52. Identifiers: Orphanet 90635, MedGen C1865366, MONDO:0011226, OMIM 602459.

Allele frequency attached by ClinVar (database versions not stated): gnomAD 0.00002; gnomAD exomes 0.00002 and 0.00003; TOPMed 0.00002; ExAC 0.00003; ESP Exome Variant Server 0.00015.

Submissions (5):

PreventionGenetics, part of Exact Sciences
Classification: Uncertain significance for POU4F3-related condition. Last evaluated: 2026-05-26. Review status: criteria provided, single submitter. Criteria: ACMG Guidelines, 2015. Collection method: clinical testing. Allele origin: germline.
Comment: The POU4F3 c.403C>T variant is predicted to result in the amino acid substitution p.Pro135Ser. To our knowledge, this variant has not been reported in the literature. This variant is reported in 0.0044% of alleles in individuals of European (Non-Finnish) descent in gnomAD. At this time, the clinical significance of this variant is uncertain due to the absence of conclusive functional and genetic evidence.

Fulgent Genetics
Classification: Uncertain significance for Autosomal dominant nonsyndromic hearing loss 15. Last evaluated: 2021-07-15. Review status: criteria provided, single submitter. Criteria: ACMG Guidelines, 2015. Collection method: clinical testing. Allele origin: unknown.

GeneDx
Classification: Uncertain significance. Last evaluated: 2019-06-28. Review status: criteria provided, single submitter. Criteria: GeneDx Variant Classification Process June 2021. Collection method: clinical testing. Allele origin: germline. Affected: yes.
Comment: In silico analysis, which includes protein predictors and evolutionary conservation, supports that this variant does not alter protein structure/function; Has not been previously published as pathogenic or benign to our knowledge

Laboratory for Molecular Medicine, Mass General Brigham Personalized Medicine
Classification: Uncertain significance. Last evaluated: 2014-04-04. Review status: criteria provided, single submitter. Criteria: LMM Criteria. Collection method: clinical testing. Allele origin: germline. Observed: 1 variant allele.
Comment: Variant classified as Uncertain Significance - Favor Benign. The Pro135Ser varia nt in POU4F3 has not been previously reported in individuals with hearing loss, but has been identified in 0.02% (2/8598) of European American chromosomes by th e NHLBI Exome Sequencing Project (dbSNP rs200 286254). Computational prediction tools and conservation analyses suggest that t he Pro135Ser variant may not impact the protein, though this information is not predictive enough to rule out pathogenicity. In summary, the clinical significan ce of this variant cannot be determined with certainty; however based upon the c omputational data and the presence of the variant in the general population, we would lean towards a more likely benign role.

Division of Human Genetics, Children's Hospital of Philadelphia
Classification: Uncertain significance for Autosomal dominant nonsyndromic hearing loss 15. Last evaluated: 2015-10-09. Review status: no assertion criteria provided. Collection method: research. Allele origin: paternal. Affected: yes. Study: CSER-PediSeq. Not counted in ClinVar's aggregate classification.

NM_002700.3(POU4F3):c.403C>T (p.Pro135Ser)

Genes: POU4F3 (POU class 4 homeobox 3; plus strand), RBM27-POU4F3 (RBM27-POU4F3 readthrough; plus strand). Cytogenetic location: 5q32.
Variant type: single nucleotide variant.
Coding change: c.403C>T on transcript NM_002700.3 (MANE Select); coding-DNA position 403, C replaced by T.
Protein change: p.Pro135Ser; replaces proline 135 with serine.
Molecular consequence: missense variant.
Genome position (GRCh38, 1-based): chr5:146,339,830, C>T. VCF-style: chr5-146339830-C-T. GRCh37 (hg19) VCF-style: chr5-145719393-C-T.
Other names: short protein forms P135S.
Identifiers: ClinVar variation 164981 (VCV000164981.10), dbSNP rs200286254, ClinGen allele CA177655.
Genomic context (GRCh38, chr5:146,339,830, plus strand): 5'-CTCGAAGGCGACCTGCTGGAGCACATCTCGCCCACGCTGAGTGTGAGCGGCCTGGGCGCT[C>T]CGGAACACTCGGTGATGCCCGCACAGATCCATCCACACCACCTGGGCGCCATGGGCCACC-3'
Protein context (NP_002691.1, residues 125-145): PTLSVSGLGA[Pro135Ser]EHSVMPAQIH